The following is an entry in ClinVar:

ClinVar aggregate classification (germline): Uncertain significance (1 of 4 stars; one submission).

Conditions:
Dilated cardiomyopathy 1DD (CMD1DD). Identifiers: Orphanet 154, MedGen C2750995, MONDO:0013168, OMIM 613172.

gnomAD v4.1: 2 of 1,550,744 alleles (0.00013%); highest among the groups gnomAD compares: Non-Finnish European, 0.00017%; no homozygotes.

Submission:

Labcorp Genetics (formerly Invitae), Labcorp
Classification: Uncertain significance for Dilated cardiomyopathy 1DD. Last evaluated: 2024-03-05. Review status: criteria provided, single submitter. Criteria: Invitae Variant Classification Sherloc (09022015). Collection method: clinical testing. Allele origin: germline.
Comment: This sequence change replaces serine, which is neutral and polar, with proline, which is neutral and non-polar, at codon 988 of the RBM20 protein (p.Ser988Pro). This variant is present in population databases (no rsID available, gnomAD 0.002%). This variant has not been reported in the literature in individuals affected with RBM20-related conditions. Advanced modeling of protein sequence and biophysical properties (such as structural, functional, and spatial information, amino acid conservation, physicochemical variation, residue mobility, and thermodynamic stability) performed at Invitae indicates that this missense variant is not expected to disrupt RBM20 protein function with a negative predictive value of 95%. In summary, the available evidence is currently insufficient to determine the role of this variant in disease. Therefore, it has been classified as a Variant of Uncertain Significance.

NM_001134363.3(RBM20):c.2962T>C (p.Ser988Pro)

Gene: RBM20 (RNA binding motif protein 20; plus strand). Cytogenetic location: 10q25.2.
Variant type: single nucleotide variant.
Coding change: c.2962T>C on transcript NM_001134363.3 (MANE Select); coding-DNA position 2962, T replaced by C.
Protein change: p.Ser988Pro; replaces serine 988 with proline.
Molecular consequence: missense variant.
Genome position (GRCh38, 1-based): chr10:110,821,581, T>C. VCF-style: chr10-110821581-T-C. GRCh37 (hg19) VCF-style: chr10-112581339-T-C.
Other names: short protein forms S988P.
Identifiers: ClinVar variation 3667166 (VCV003667166.2).